The following is an entry in ClinVar:

ClinVar aggregate classification (germline): Uncertain significance (1 of 4 stars; one submission).

Conditions:
Charcot-Marie-Tooth disease type 2. Also called: Charcot-Marie-Tooth type 2. Identifiers: Orphanet 64746, MedGen C0270914, MONDO:0018993.

Allele frequency attached by ClinVar (database versions not stated): gnomAD exomes below 0.00001.
gnomAD v4.1: 2 of 1,614,076 alleles (0.00012%); highest among the groups gnomAD compares: Non-Finnish European, 0.00017%; no homozygotes.

Submission:

Labcorp Genetics (formerly Invitae), Labcorp
Classification: Uncertain significance for Charcot-Marie-Tooth disease type 2. Last evaluated: 2026-01-25. Review status: criteria provided, single submitter. Criteria: Invitae Variant Classification Sherloc (09022015). Collection method: clinical testing. Allele origin: germline.
Comment: This sequence change replaces leucine, which is neutral and non-polar, with valine, which is neutral and non-polar, at codon 134 of the LMNA protein (p.Leu134Val). This variant is not present in population databases (gnomAD no frequency). This variant has not been reported in the literature in individuals affected with LMNA-related conditions. ClinVar contains an entry for this variant (Variation ID: 1929643). Invitae Evidence Modeling of protein sequence and biophysical properties (such as structural, functional, and spatial information, amino acid conservation, physicochemical variation, residue mobility, and thermodynamic stability) indicates that this missense variant is expected to disrupt LMNA protein function with a positive predictive value of 95%. In summary, the available evidence is currently insufficient to determine the role of this variant in disease. Therefore, it has been classified as a Variant of Uncertain Significance.

NM_170707.4(LMNA):c.400C>G (p.Leu134Val)

Genes: LMNA (lamin A/C; plus strand), LOC126805877 (MED14-independent group 3 enhancer GRCh37_chr1:156099693-156100892; plus strand). Cytogenetic location: 1q22.
Variant type: single nucleotide variant.
Coding change: c.400C>G on transcript NM_170707.4 (MANE Select); coding-DNA position 400, C replaced by G.
Protein change: p.Leu134Val; replaces leucine 134 with valine.
Molecular consequence: missense variant.
Genome position (GRCh38, 1-based): chr1:156,130,660, C>G. VCF-style: chr1-156130660-C-G. GRCh37 (hg19) VCF-style: chr1-156100451-C-G.
Other names: c.64C>G, p.Leu22Val (NM_001257374.3, NM_001406989.1, NM_001406998.1); c.157C>G, p.Leu53Val (NM_001282624.2, NM_001406986.1, NM_001406987.1); c.400C>G, p.Leu134Val (NM_001282625.2, NM_001282626.2, NM_001406983.1 and 6 more transcripts); c.103C>G, p.Leu35Val (NM_001406988.1); c.-159C>G (NM_001406993.1, NM_001406996.1, NM_001406997.1 and 1 more transcripts); c.-265C>G (NM_001406994.1, NM_001406999.1, NM_001407000.1); short protein forms L35V, L53V, L134V, L22V.
Identifiers: ClinVar variation 1929643 (VCV001929643.5), dbSNP rs2527936107, ClinGen allele CA342815188.
Genomic context (GRCh38, chr1:156,130,660, plus strand): 5'-TCCCCTCTCTTCTTTAGCAATACCAAGAAGGAGGGTGACCTGATAGCTGCTCAGGCTCGG[C>G]TGAAGGACCTGGAGGCTCTGCTGAACTCCAAGGAGGCCGCACTGAGCACTGCTCTCAGTG-3'
Protein context (NP_733821.1, residues 124-144): EGDLIAAQAR[Leu134Val]KDLEALLNSK